The following is an entry in ClinVar:

NM_004793.4(LONP1):c.2731G>A (p.Val911Ile)

Gene: LONP1 (lon peptidase 1, mitochondrial; minus strand). Cytogenetic location: 19p13.3.
Variant type: single nucleotide variant.
Coding change: c.2731G>A on transcript NM_004793.4 (MANE Select); coding-DNA position 2731, G replaced by A.
Protein change: p.Val911Ile; replaces valine 911 with isoleucine.
Molecular consequence: missense variant. On other transcripts: non-coding transcript variant (1).
Genome position (GRCh38, 1-based): chr19:5,692,181, C>T on the plus strand (G>A on the coding strand, the complement: LONP1 is on the minus strand). VCF-style: chr19-5692181-C-T. GRCh37 (hg19) VCF-style: chr19-5692192-C-T.
Other names: c.2539G>A, p.Val847Ile (NM_001276479.2); c.2143G>A, p.Val715Ile (NM_001276480.1); short protein forms V715I, V847I, V911I.
Identifiers: ClinVar variation 1166716 (VCV001166716.15), dbSNP rs1062373, ClinGen allele CA9113976.

ClinVar aggregate classification (germline): Benign. Review status: criteria provided, multiple submitters, no conflicts (2 of 4 stars). 4 submissions from 4 submitters: Benign (3). 1 of the submissions does not count toward it. Last evaluated 2026-02-01.

Conditions:
LONP1-related disorder. Also called: LONP1-related disorders; LONP1-related condition.

Allele frequency attached by ClinVar (database versions not stated): 1000 Genomes Project 0.01458; 1000 Genomes Project 30x 0.01515; ESP Exome Variant Server 0.01945.
gnomAD v4.1: 38,331 of 1,613,802 alleles (2.4%); highest among the groups gnomAD compares: East Asian, 2.7%; 567 homozygotes.

Submissions (4):

Labcorp Genetics (formerly Invitae), Labcorp
Classification: Benign. Last evaluated: 2026-02-01. Review status: criteria provided, single submitter. Criteria: Invitae Variant Classification Sherloc (09022015). Collection method: clinical testing. Allele origin: germline.

GeneDx
Classification: Benign. Last evaluated: 2019-01-28. Review status: criteria provided, single submitter. Criteria: GeneDx Variant Classification Process June 2021. Collection method: clinical testing. Allele origin: germline. Affected: yes.
Comment: This variant is associated with the following publications: (PMID: 20843780)

Breakthrough Genomics
Classification: Benign. Review status: criteria provided, single submitter. Criteria: ACMG Guidelines, 2015. Collection method: not provided. Allele origin: germline. Inheritance: Autosomal recessive inheritance. Affected: yes.

PreventionGenetics, part of Exact Sciences
Classification: Benign for LONP1-related condition. Last evaluated: 2019-10-16. Review status: no assertion criteria provided. Collection method: clinical testing. Allele origin: germline. Not counted in ClinVar's aggregate classification.
Comment: This variant is classified as benign based on ACMG/AMP sequence variant interpretation guidelines (Richards et al. 2015 PMID: 25741868, with internal and published modifications).